The following is an entry in ClinVar:

NM_016263.4(FZR1):c.223C>T (p.Arg75Trp)

Gene: FZR1 (fizzy and cell division cycle 20 related 1; plus strand). Cytogenetic location: 19p13.3.
Variant type: single nucleotide variant.
Coding change: c.223C>T on transcript NM_016263.4 (MANE Select); coding-DNA position 223, C replaced by T.
Protein change: p.Arg75Trp; replaces arginine 75 with tryptophan.
Molecular consequence: missense variant.
Genome position (GRCh38, 1-based): chr19:3,526,147, C>T. VCF-style: chr19-3526147-C-T. GRCh37 (hg19) VCF-style: chr19-3526145-C-T.
Other names: c.223C>T, p.Arg75Trp (NM_001136197.1, NM_001136198.1); short protein forms R75W.
Identifiers: ClinVar variation 4840098 (VCV004840098.1).

ClinVar aggregate classification (germline): Uncertain significance (1 of 4 stars; one submission).

Conditions:
Inborn genetic diseases. Identifiers: MedGen C0950123, MeSH D030342.

gnomAD v4.1: 10 of 1,612,968 alleles (0.00062%); highest among the groups gnomAD compares: South Asian, 0.0011%; no homozygotes.

Submission:

Ambry Genetics
Classification: Uncertain significance for Inborn genetic diseases. Last evaluated: 2026-02-17. Review status: criteria provided, single submitter. Criteria: Ambry Variant Classification Scheme 2023. Collection method: clinical testing. Allele origin: germline.
Comment: The c.223C>T (p.R75W) alteration is located in exon 3 (coding exon 3) of the FZR1 gene. This alteration results from a C to T substitution at nucleotide position 223, causing the arginine (R) at amino acid position 75 to be replaced by a tryptophan (W). Based on data from gnomAD, the T allele has an overall frequency of <0.001% (1/250244) total alleles studied. The highest observed frequency was 0.003% (1/30608) of South Asian alleles. Based on insufficient or conflicting evidence, the clinical significance of this alteration remains unclear.